The following is an entry in ClinVar:

NM_001037333.3(CYFIP2):c.2496C>T (p.Ser832=)

Gene: CYFIP2 (cytoplasmic FMR1 interacting protein 2; plus strand). Cytogenetic location: 5q33.3.
Variant type: single nucleotide variant.
Coding change: c.2496C>T on transcript NM_001037333.3 (MANE Select); coding-DNA position 2496, C replaced by T.
Protein change: p.Ser832=; no amino-acid change (serine 832 retained).
Molecular consequence: synonymous variant.
Genome position (GRCh38, 1-based): chr5:157,339,167, C>T. VCF-style: chr5-157339167-C-T. GRCh37 (hg19) VCF-style: chr5-156766175-C-T.
Other names: c.2418C>T, p.Ser806= (NM_001291721.2); c.2571C>T, p.Ser857= (NM_001291722.2); c.2496C>T, p.Ser832= (NM_014376.4).
Identifiers: ClinVar variation 1653156 (VCV001653156.11), dbSNP rs373107748, ClinGen allele CA3533874.

ClinVar aggregate classification (germline): Benign/Likely benign. Review status: criteria provided, multiple submitters, no conflicts (2 of 4 stars). 3 submissions from 3 submitters: Benign (1); Likely benign (2). Last evaluated 2026-04-01.

Allele frequency attached by ClinVar (database versions not stated): gnomAD exomes 0.00004 and 0.00015; ExAC 0.00022; gnomAD 0.00049 and 0.00056; 1000 Genomes Project 0.00060; TOPMed 0.00062; ESP Exome Variant Server 0.00070; 1000 Genomes Project 30x 0.00078.
gnomAD v4.1: 138 of 1,614,010 alleles (0.0086%); highest among the groups gnomAD compares: African/African-American, 0.15%; no homozygotes.

Submissions (3):

CeGaT Center for Human Genetics Tuebingen
Classification: Likely benign. Last evaluated: 2026-04-01. Review status: criteria provided, single submitter. Criteria: CeGaT Center For Human Genetics Tuebingen Variant Classification Criteria Version 2. Collection method: clinical testing. Allele origin: germline. Affected: yes. Observed: 1 variant allele.
Comment: CYFIP2: BP4, BP7, BS1

Labcorp Genetics (formerly Invitae), Labcorp
Classification: Benign. Last evaluated: 2026-02-03. Review status: criteria provided, single submitter. Criteria: Invitae Variant Classification Sherloc (09022015). Collection method: clinical testing. Allele origin: germline.

Blueprint Genetics
Classification: Likely benign. Last evaluated: 2022-07-20. Review status: criteria provided, single submitter. Criteria: ACMG Guidelines, 2015. Collection method: clinical testing. Allele origin: germline.